The following is an entry in ClinVar:

ClinVar aggregate classification (germline): Uncertain significance (1 of 4 stars; one submission).

Conditions:
Hereditary cancer-predisposing syndrome. Also called: Hereditary neoplastic syndrome; Neoplastic Syndromes, Hereditary; Tumor predisposition; Hereditary Cancer Syndrome. Identifiers: Orphanet 140162, MedGen C0027672, MeSH D009386, MONDO:0015356.

Submission:

Ambry Genetics
Classification: Uncertain significance for Hereditary cancer-predisposing syndrome. Last evaluated: 2025-08-27. Review status: criteria provided, single submitter. Criteria: Ambry Variant Classification Scheme 2023. Collection method: clinical testing. Allele origin: germline.
Comment: The p.M121R variant (also known as c.362T>G), located in coding exon 4 of the MUTYH gene, results from a T to G substitution at nucleotide position 362. The methionine at codon 121 is replaced by arginine, an amino acid with similar properties. This amino acid position is conserved. In addition, this alteration is predicted to be tolerated by in silico analysis. Based on the available evidence, the clinical significance of this variant remains unclear.

NM_001048174.2(MUTYH):c.278T>G (p.Met93Arg)

Gene: MUTYH (mutY DNA glycosylase; minus strand). Cytogenetic location: 1p34.1.
Variant type: single nucleotide variant.
Coding change: c.278T>G on transcript NM_001048174.2 (MANE Select); coding-DNA position 278, T replaced by G.
Protein change: p.Met93Arg; replaces methionine 93 with arginine.
Molecular consequence: missense variant. On other transcripts: initiator codon variant (3), non-coding transcript variant (7).
Genome position (GRCh38, 1-based): chr1:45,333,311, A>C on the plus strand (T>G on the coding strand, the complement: MUTYH is on the minus strand). VCF-style: chr1-45333311-A-C. GRCh37 (hg19) VCF-style: chr1-45798983-A-C.
Other names: c.278T>G, p.Met93Arg (NM_001048171.2, NM_001048173.2, NM_001293195.2 and 6 more transcripts); c.281T>G, p.Met94Arg (NM_001048172.2, NM_001407071.1, NM_001407078.1 and 2 more transcripts); c.362T>G, p.Met121Arg (NM_001128425.2); c.323T>G, p.Met108Arg (NM_001293190.2); c.311T>G, p.Met104Arg (NM_001293191.2, NM_001407077.1); c.2T>G, p.Met1Arg (NM_001293192.2, NM_001293196.2, NM_001407091.1); c.7T>G, p.Trp3Gly (NM_001350650.2, NM_001350651.2, NM_001407082.1); c.353T>G, p.Met118Arg (NM_001407069.1, NM_012222.3); and 3 more; short protein forms M108R, M1R, M94R, M65R, M118R, M121R, M100R, M104R.
Identifiers: ClinVar variation 4113630 (VCV004113630.1).